The following is an entry in ClinVar:

NM_017414.4(USP18):c.907G>A (p.Glu303Lys)

Gene: USP18 (ubiquitin specific peptidase 18; plus strand). Cytogenetic location: 22q11.21.
Variant type: single nucleotide variant.
Coding change: c.907G>A on transcript NM_017414.4 (MANE Select); coding-DNA position 907, G replaced by A.
Protein change: p.Glu303Lys; replaces glutamic acid 303 with lysine.
Molecular consequence: missense variant.
Genome position (GRCh38, 1-based): chr22:18,173,165, G>A. VCF-style: chr22-18173165-G-A. GRCh37 (hg19) VCF-style: chr22-18655932-G-A.
Other names: p.Glu303Lys; short protein forms E303K.
Identifiers: ClinVar variation 2386333 (VCV002386333.7), dbSNP rs200388263, ClinGen allele CA10094199.

ClinVar aggregate classification (germline): Conflicting classifications of pathogenicity. Review status: criteria provided, conflicting classifications (1 of 4 stars). 4 submissions from 4 submitters: Uncertain significance (2); Likely benign (2). Last evaluated 2025-08-25.

Conditions:
Inborn genetic diseases. Identifiers: MedGen C0950123, MeSH D030342.
Pseudo-TORCH syndrome 2 (PTORCH2). Also called: USP18 deficiency. Identifiers: Orphanet 481665, MedGen C4479376, MONDO:0018828, OMIM 617397.

Allele frequency attached by ClinVar (database versions not stated): TOPMed 0.00052; ESP Exome Variant Server 0.00054; gnomAD exomes 0.00063; ExAC 0.00076.

Submissions (4):

Mayo Clinic Laboratories, Mayo Clinic
Classification: Likely benign. Last evaluated: 2025-08-25. Review status: criteria provided, single submitter. Criteria: ACMG Guidelines, 2015. Collection method: clinical testing. Allele origin: germline. Observed: 1 variant allele.
Comment: BS2, BP4

Blueprint Genetics
Classification: Likely benign. Last evaluated: 2024-11-01. Review status: criteria provided, single submitter. Criteria: ACMG Guidelines, 2015. Collection method: clinical testing. Allele origin: germline.

Ambry Genetics
Classification: Uncertain significance for Inborn genetic diseases. Last evaluated: 2021-09-01. Review status: criteria provided, single submitter. Criteria: Ambry Variant Classification Scheme 2023. Collection method: clinical testing. Allele origin: germline.

Revvity Omics, Revvity
Classification: Uncertain significance for Pseudo-TORCH syndrome 2. Last evaluated: 2019-10-22. Review status: criteria provided, single submitter. Criteria: ACMG Guidelines, 2015. Collection method: clinical testing. Allele origin: germline.